The following is an entry in ClinVar:

NC_000001.11:g.11012634G>A

Gene: TARDBP (TAR DNA binding protein; plus strand). Cytogenetic location: 1p36.22.
Variant type: single nucleotide variant.
Genome position: GRCh38 VCF-style: chr1-11012634-G-A. GRCh37 (hg19) VCF-style: chr1-11072691-G-A.
Other names: c.-122G>A (NM_007375.3).
Identifiers: ClinVar variation 291728 (VCV000291728.16), dbSNP rs11121679, ClinGen allele CA10607382.

ClinVar aggregate classification (germline): Benign. Review status: criteria provided, multiple submitters, no conflicts (2 of 4 stars). 3 submissions from 3 submitters: Benign (3). Last evaluated 2025-06-16.

Conditions:
Amyotrophic lateral sclerosis type 10 (ALS10). Also called: Amyotrophic lateral sclerosis 10, with or without FTD; AMYOTROPHIC LATERAL SCLEROSIS 10 WITH OR WITHOUT FRONTOTEMPORAL DEMENTIA; AMYOTROPHIC LATERAL SCLEROSIS 10 WITHOUT FRONTOTEMPORAL DEMENTIA AND WITH TDP43 INCLUSIONS; AMYOTROPHIC LATERAL SCLEROSIS 10 WITH OR WITHOUT FRONTOTEMPORAL DEMENTIA AND WITH TDP43 INCLUSIONS; TARDBP-Related Amyotrophic Lateral Sclerosis-Frontotemporal Dementia. Identifiers: Orphanet 275872, Orphanet 803, MedGen C2677565, MONDO:0012790, OMIM 612069.
FRONTOTEMPORAL LOBAR DEGENERATION WITH TDP43 INCLUSIONS, TARDBP-RELATED. Also called: Frontotemporal lobar degeneration, TARDBP-related. Identifiers: MedGen C3150169, OMIM 612069.

Allele frequency attached by ClinVar (database versions not stated): gnomAD 0.12547 and 0.13475; TOPMed 0.14244; 1000 Genomes Project 0.13518; 1000 Genomes Project 30x 0.14335.

Submissions (3):

Labcorp Genetics (formerly Invitae), Labcorp
Classification: Benign for Amyotrophic lateral sclerosis type 10; FRONTOTEMPORAL LOBAR DEGENERATION WITH TDP43 INCLUSIONS, TARDBP-RELATED. Last evaluated: 2025-06-16. Review status: criteria provided, single submitter. Criteria: Invitae Variant Classification Sherloc (09022015). Collection method: clinical testing. Allele origin: germline.

Illumina Laboratory Services, Illumina
Classification: Benign for Amyotrophic lateral sclerosis type 10. Last evaluated: 2018-03-06. Review status: criteria provided, single submitter. Criteria: ICSL Variant Classification Criteria 13 December 2019. Collection method: clinical testing. Allele origin: germline.
Comment: This variant was observed in the ICSL laboratory as part of a predisposition screen in an ostensibly healthy population. It had not been previously curated by ICSL or reported in the Human Gene Mutation Database (HGMD: prior to June 1st, 2018), and was therefore a candidate for classification through an automated scoring system. Utilizing variant allele frequency, disease prevalence and penetrance estimates, and inheritance mode, an automated score was calculated to assess if this variant is too frequent to cause the disease. Based on the score and internal cut-off values, a variant classified as benign is not then subjected to further curation. The score for this variant resulted in a classification of benign for this disease.

Breakthrough Genomics
Classification: Benign. Review status: criteria provided, single submitter. Criteria: ACMG Guidelines, 2015. Collection method: not provided. Allele origin: germline. Inheritance: Autosomal dominant inheritance. Affected: yes.